The following is an entry in ClinVar:

NM_005529.7(HSPG2):c.8474G>A (p.Gly2825Glu)

Gene: HSPG2 (heparan sulfate proteoglycan 2; minus strand). Cytogenetic location: 1p36.12.
Variant type: single nucleotide variant.
Coding change: c.8474G>A on transcript NM_005529.7 (MANE Select); coding-DNA position 8474, G replaced by A.
Protein change: p.Gly2825Glu; replaces glycine 2825 with glutamic acid.
Molecular consequence: missense variant.
Genome position (GRCh38, 1-based): chr1:21,844,290, C>T on the plus strand (G>A on the coding strand, the complement: HSPG2 is on the minus strand). VCF-style: chr1-21844290-C-T. GRCh37 (hg19) VCF-style: chr1-22170783-C-T.
Other names: c.8477G>A, p.Gly2826Glu (NM_001291860.2); short protein forms G2825E, G2826E.
Identifiers: ClinVar variation 3365520 (VCV003365520.1).

ClinVar aggregate classification (germline): Uncertain significance (1 of 4 stars; one submission).

Submission:

GeneDx
Classification: Uncertain significance. Last evaluated: 2023-12-14. Review status: criteria provided, single submitter. Criteria: GeneDx Variant Classification Process June 2021. Collection method: clinical testing. Allele origin: germline. Affected: yes.
Comment: Not observed at significant frequency in large population cohorts (gnomAD); In silico analysis supports that this missense variant has a deleterious effect on protein structure/function; Has not been previously published as pathogenic or benign to our knowledge